The following is an entry in ClinVar:

ClinVar aggregate classification (germline): Conflicting classifications of pathogenicity. Review status: criteria provided, conflicting classifications (1 of 4 stars). 4 submissions from 4 submitters: Uncertain significance (3); Likely benign (1). Last evaluated 2026-01-24.

Allele frequency attached by ClinVar (database versions not stated): ExAC 0.00002; gnomAD 0.00004 and 0.00001; gnomAD exomes 0.00013 and 0.00001; 1000 Genomes Project 30x 0.00031; 1000 Genomes Project 0.00040; TOPMed 0.00001.
gnomAD v4.1: 85 of 1,605,482 alleles (0.0053%); highest among the groups gnomAD compares: East Asian, 0.19%; no homozygotes.

Submissions (4):

GeneDx
Classification: Uncertain significance. Last evaluated: 2026-01-24. Review status: criteria provided, single submitter. Criteria: GeneDx Variant Classification Process June 2021. Collection method: clinical testing. Allele origin: germline.
Comment: In silico analysis suggests that this missense variant does not alter protein structure/function; Has not been previously published as pathogenic or benign to our knowledge

Women's Health and Genetics/Laboratory Corporation of America, LabCorp
Classification: Uncertain significance. Last evaluated: 2025-09-05. Review status: criteria provided, single submitter. Criteria: LabCorp Variant Classification Summary - May 2015. Collection method: clinical testing. Allele origin: germline.
Comment: Variant summary: ADGRV1 c.11629G>T (p.Val3877Leu) results in a conservative amino acid change in the encoded protein sequence. Algorithms developed to predict the effect of missense changes on protein structure and function are either unavailable or do not agree on the potential impact of this missense change. The variant allele was found at a frequency of 1.2e-05 in 246130 control chromosomes. The available data on variant occurrences in the general population are insufficient to allow any conclusion about variant significance. To our knowledge, no occurrence of c.11629G>T in individuals affected with ADGRV1-related conditions and no experimental evidence demonstrating its impact on protein function have been reported. ClinVar contains an entry for this variant (Variation ID: 1000660). Based on the evidence outlined above, the variant was classified as uncertain significance.

Labcorp Genetics (formerly Invitae), Labcorp
Classification: Likely benign. Last evaluated: 2024-02-12. Review status: criteria provided, single submitter. Criteria: Invitae Variant Classification Sherloc (09022015). Collection method: clinical testing. Allele origin: germline.

Blueprint Genetics
Classification: Uncertain significance. Last evaluated: 2023-11-23. Review status: criteria provided, single submitter. Criteria: ACMG Guidelines, 2015. Collection method: clinical testing. Allele origin: germline.

NM_032119.4(ADGRV1):c.11629G>T (p.Val3877Leu)

Gene: ADGRV1 (adhesion G protein-coupled receptor V1; plus strand). Cytogenetic location: 5q14.3.
Variant type: single nucleotide variant.
Coding change: c.11629G>T on transcript NM_032119.4 (MANE Select); coding-DNA position 11629, G replaced by T.
Protein change: p.Val3877Leu; replaces valine 3877 with leucine.
Molecular consequence: missense variant. On other transcripts: non-coding transcript variant (1).
Genome position (GRCh38, 1-based): chr5:90,756,502, G>T. VCF-style: chr5-90756502-G-T. GRCh37 (hg19) VCF-style: chr5-90052319-G-T.
Other names: c.11629G>T (NM_032119.3); short protein forms V3877L.
Identifiers: ClinVar variation 1000660 (VCV001000660.12), dbSNP rs185296114, ClinGen allele CA3341013.